The following is an entry in ClinVar:

NM_001040108.2(MLH3):c.3438C>A (p.Asp1146Glu)

Gene: MLH3 (mutL homolog 3; minus strand). Cytogenetic location: 14q24.3.
Variant type: single nucleotide variant.
Coding change: c.3438C>A on transcript NM_001040108.2 (MANE Select); coding-DNA position 3438, C replaced by A.
Protein change: p.Asp1146Glu; replaces aspartic acid 1146 with glutamic acid.
Molecular consequence: missense variant.
Genome position (GRCh38, 1-based): chr14:75,041,642, G>T on the plus strand (C>A on the coding strand, the complement: MLH3 is on the minus strand). VCF-style: chr14-75041642-G-T. GRCh37 (hg19) VCF-style: chr14-75508345-G-T.
Other names: c.3438C>A, p.Asp1146Glu (NM_014381.3); short protein forms D1146E.
Identifiers: ClinVar variation 5024542 (VCV005024542.1).

ClinVar aggregate classification (germline): Uncertain significance (1 of 4 stars; one submission).

Submission:

Ambry Genetics
Classification: Uncertain significance. Last evaluated: 2026-06-20. Review status: criteria provided, single submitter. Criteria: Ambry Variant Classification Scheme 2023. Collection method: clinical testing. Allele origin: germline.
Comment: The p.D1146E variant (also known as c.3438C>A), located in coding exon 3 of the MLH3 gene, results from a C to A substitution at nucleotide position 3438. The aspartic acid at codon 1146 is replaced by glutamic acid, an amino acid with highly similar properties. This amino acid position is conserved. In addition, this alteration is predicted to be tolerated by in silico analysis. Based on the available evidence, the clinical significance of this variant remains unclear.